The following is an entry in ClinVar:

NM_001376.5(DYNC1H1):c.8635A>G (p.Lys2879Glu)

Gene: DYNC1H1 (dynein cytoplasmic 1 heavy chain 1; plus strand). Cytogenetic location: 14q32.31.
Variant type: single nucleotide variant.
Coding change: c.8635A>G on transcript NM_001376.5 (MANE Select); coding-DNA position 8635, A replaced by G.
Protein change: p.Lys2879Glu; replaces lysine 2879 with glutamic acid.
Molecular consequence: missense variant.
Genome position (GRCh38, 1-based): chr14:102,022,878, A>G. VCF-style: chr14-102022878-A-G. GRCh37 (hg19) VCF-style: chr14-102489215-A-G.
Other names: short protein forms K2879E.
Identifiers: ClinVar variation 3725500 (VCV003725500.2).
Genomic context (GRCh38, chr14:102,022,878, plus strand): 5'-CCTAACATCGACAGAGAGAAGGCAATGAGCCGACCCATCTTGTACAGCAACTGGCTGTCA[A>G]AGGTAGCAAACTCGCATCATTTCAGACATACTTCTTTTTCTGCCATCCCTTTCTAACACT-3'
Protein context (NP_001367.2, residues 2869-2889): RPILYSNWLS[Lys2879Glu]DYIPVDQEEL

ClinVar aggregate classification (germline): Uncertain significance (1 of 4 stars; one submission).

Conditions:
Charcot-Marie-Tooth disease axonal type 2O. Also called: Charcot-Marie-Tooth disease, axonal, type 20; CHARCOT-MARIE-TOOTH DISEASE, AXONAL, AUTOSOMAL DOMINANT, TYPE 2O; CHARCOT-MARIE-TOOTH NEUROPATHY, AXONAL, TYPE 2O; Charcot-Marie-Tooth Neuropathy Type 2O. Identifiers: Orphanet 284232, MedGen C3280220, MONDO:0013644, OMIM 614228.

Submission:

Labcorp Genetics (formerly Invitae), Labcorp
Classification: Uncertain significance for Charcot-Marie-Tooth disease axonal type 2O. Last evaluated: 2024-11-18. Review status: criteria provided, single submitter. Criteria: Invitae Variant Classification Sherloc (09022015). Collection method: clinical testing. Allele origin: germline.
Comment: This sequence change replaces lysine, which is basic and polar, with glutamic acid, which is acidic and polar, at codon 2879 of the DYNC1H1 protein (p.Lys2879Glu). This variant is not present in population databases (gnomAD no frequency). This variant has not been reported in the literature in individuals affected with DYNC1H1-related conditions. An algorithm developed to predict the effect of missense changes on protein structure and function (PolyPhen-2) suggests that this variant is likely to be disruptive. In summary, the available evidence is currently insufficient to determine the role of this variant in disease. Therefore, it has been classified as a Variant of Uncertain Significance.